The following is an entry in ClinVar:

ClinVar aggregate classification (germline): Uncertain significance. Review status: criteria provided, multiple submitters, no conflicts (2 of 4 stars). 2 submissions from 2 submitters: Uncertain significance (2). Last evaluated 2026-06-26.

gnomAD v4.1: 26 of 1,614,100 alleles (0.0016%); highest among the groups gnomAD compares: South Asian, 0.024%; no homozygotes.

Submissions (2):

Women's Health and Genetics/Laboratory Corporation of America, LabCorp
Classification: Uncertain significance. Last evaluated: 2026-06-26. Review status: criteria provided, single submitter. Criteria: LabCorp Variant Classification Summary - May 2015. Collection method: clinical testing. Allele origin: germline.
Comment: Variant summary: POLG2 c.593A>T (p.Asp198Val) results in a non-conservative amino acid change in the encoded protein sequence. Algorithms developed to predict the effect of missense changes on protein structure and function are either unavailable or do not agree on the potential impact of this missense change. The variant allele was found at a frequency of 1.2e-05 in 251468 control chromosomes. The available data on variant occurrences in the general population are insufficient to allow any conclusion about variant significance. To our knowledge, no occurrence of c.593A>T in individuals affected with POLG2-related conditions and no experimental evidence demonstrating its impact on protein function have been reported. ClinVar contains an entry for this variant (Variation ID: 4777841). Based on the evidence outlined above, the variant was classified as uncertain significance.

Labcorp Genetics (formerly Invitae), Labcorp
Classification: Uncertain significance. Last evaluated: 2025-07-08. Review status: criteria provided, single submitter. Criteria: Invitae Variant Classification Sherloc (09022015). Collection method: clinical testing. Allele origin: germline.
Comment: This sequence change replaces aspartic acid, which is acidic and polar, with valine, which is neutral and non-polar, at codon 198 of the POLG2 protein (p.Asp198Val). This variant is present in population databases (rs534808583, gnomAD 0.01%). This variant has not been reported in the literature in individuals affected with POLG2-related conditions. An algorithm developed to predict the effect of missense changes on protein structure and function (PolyPhen-2) suggests that this variant is likely to be disruptive. In summary, the available evidence is currently insufficient to determine the role of this variant in disease. Therefore, it has been classified as a Variant of Uncertain Significance.

NM_007215.4(POLG2):c.593A>T (p.Asp198Val)

Genes: MILR1 (mast cell immunoglobulin like receptor 1; plus strand), POLG2 (DNA polymerase gamma 2, accessory subunit; minus strand). Cytogenetic location: 17q23.3.
Variant type: single nucleotide variant.
Coding change: c.593A>T on transcript NM_007215.4 (MANE Select); coding-DNA position 593, A replaced by T.
Protein change: p.Asp198Val; replaces aspartic acid 198 with valine.
Molecular consequence: missense variant.
Genome position (GRCh38, 1-based): chr17:64,492,991, T>A on the plus strand (A>T on the coding strand, the complement: POLG2 is on the minus strand). VCF-style: chr17-64492991-T-A. GRCh37 (hg19) VCF-style: chr17-62489108-T-A.
Other names: short protein forms D198V.
Identifiers: ClinVar variation 4777841 (VCV004777841.2).